The following is an entry in ClinVar:

NM_000166.6(GJB1):c.292C>T (p.Gln98Ter)

Gene: GJB1 (gap junction protein beta 1; plus strand). Cytogenetic location: Xq13.1.
Variant type: single nucleotide variant.
Coding change: c.292C>T on transcript NM_000166.6 (MANE Select); coding-DNA position 292, C replaced by T.
Protein change: p.Gln98Ter; replaces glutamine 98 with a stop codon.
Molecular consequence: nonsense.
Genome position (GRCh38, 1-based): chrX:71,223,999, C>T. VCF-style: chrX-71223999-C-T. GRCh37 (hg19) VCF-style: chrX-70443849-C-T.
Other names: c.292C>T, p.Gln98Ter (NM_001097642.3); short protein forms Q98*.
Identifiers: ClinVar variation 1028587 (VCV001028587.3), dbSNP rs2092543877, ClinGen allele CA413501801.

ClinVar aggregate classification (germline): Pathogenic. Review status: criteria provided, multiple submitters, no conflicts (2 of 4 stars). 2 submissions from 2 submitters: Pathogenic (2). Last evaluated 2024-05-04.

Conditions:
Charcot-Marie-Tooth Neuropathy X. Identifiers: MedGen CN118851.
Charcot-Marie-Tooth disease X-linked dominant 1. Also called: HEREDITARY MOTOR AND SENSORY NEUROPATHY, X-LINKED; HMSN, X-LINKED; Charcot-Marie-Tooth Neuropathy X Type 1; X-linked Charcot-Marie-Tooth disease type 1; GJB1 Disorders: Charcot-Marie-Tooth Neuropathy (CMT1X) and Central Nervous System Phenotypes; CHARCOT-MARIE-TOOTH NEUROPATHY, X-LINKED, 1. Identifiers: Orphanet 101075, MedGen C0393808, MONDO:0010549, OMIM 302800.

Submissions (2):

Labcorp Genetics (formerly Invitae), Labcorp
Classification: Pathogenic for Charcot-Marie-Tooth Neuropathy X. Last evaluated: 2024-05-04. Review status: criteria provided, single submitter. Criteria: Invitae Variant Classification Sherloc (09022015). Collection method: clinical testing. Allele origin: germline.
Comment: This sequence change creates a premature translational stop signal (p.Gln98*) in the GJB1 gene. While this is not anticipated to result in nonsense mediated decay, it is expected to disrupt the last 186 amino acid(s) of the GJB1 protein. This variant is not present in population databases (gnomAD no frequency). This variant has not been reported in the literature in individuals affected with GJB1-related conditions. ClinVar contains an entry for this variant (Variation ID: 1028587). This variant disrupts a region of the GJB1 protein in which other variant(s) (p.Arg220*) have been determined to be pathogenic (PMID: 7477983, 8162049, 9364054, 9592087, 21291455). This suggests that this is a clinically significant region of the protein, and that variants that disrupt it are likely to be disease-causing. For these reasons, this variant has been classified as Pathogenic.

Baylor Genetics
Classification: Pathogenic for Charcot-Marie-Tooth disease X-linked dominant 1. Last evaluated: 2020-05-05. Review status: criteria provided, single submitter. Criteria: ACMG Guidelines, 2015. Collection method: clinical testing. Allele origin: unknown. Affected: yes.
Comment: This variant was determined to be pathogenic according to ACMG Guidelines, 2015 [PMID:25741868].

Literature cited by the submitters: PubMed 7477983 (cited by Labcorp Genetics (formerly Invitae), Labcorp); PubMed 8162049 (cited by Labcorp Genetics (formerly Invitae), Labcorp); PubMed 9364054 (cited by Labcorp Genetics (formerly Invitae), Labcorp); PubMed 9592087 (cited by Labcorp Genetics (formerly Invitae), Labcorp); PubMed 21291455 (cited by Labcorp Genetics (formerly Invitae), Labcorp).